The following is an entry in ClinVar:

NM_001127464.1:c.9623C>A

Gene: ZNF469 (zinc finger protein 469; plus strand).
Variant type: single nucleotide variant.
Identifiers: ClinVar variation 4845022 (VCV004845022.1).

ClinVar aggregate classification (germline): Uncertain significance (1 of 4 stars; one submission).

Conditions:
Cardiovascular phenotype. Identifiers: MedGen CN230736.

Submission:

Ambry Genetics
Classification: Uncertain significance for Cardiovascular phenotype. Last evaluated: 2026-02-14. Review status: criteria provided, single submitter. Criteria: Ambry Variant Classification Scheme 2023. Collection method: clinical testing. Allele origin: germline.
Comment: The p.P3208H variant (also known as c.9623C>A), located in coding exon 2 of the ZNF469 gene, results from a C to A substitution at nucleotide position 9623. The proline at codon 3208 is replaced by histidine, an amino acid with similar properties. This amino acid position is conserved. In addition, this alteration is predicted to be tolerated by in silico analysis. Based on the available evidence, the clinical significance of this variant remains unclear.